The following is an entry in ClinVar:

ClinVar aggregate classification (germline): Uncertain significance. Review status: criteria provided, multiple submitters, no conflicts (2 of 4 stars). 2 submissions from 2 submitters: Uncertain significance (2). Last evaluated 2025-06-15.

Conditions:
Immunodeficiency 132A. Also called: Herpes simplex encephalitis, susceptibility to, 3. Identifiers: Orphanet 1930, MedGen C3553868, MONDO:0013920, OMIM 614849.

Allele frequency attached by ClinVar (database versions not stated): ExAC 0.00003; gnomAD 0.00005; 1000 Genomes Project 30x 0.00016; ESP Exome Variant Server 0.00023.
gnomAD v4.1: 19 of 1,612,168 alleles (0.0012%); highest among the groups gnomAD compares: African/African-American, 0.004%; no homozygotes.

Submissions (2):

Labcorp Genetics (formerly Invitae), Labcorp
Classification: Uncertain significance for Immunodeficiency 132A. Last evaluated: 2025-06-15. Review status: criteria provided, single submitter. Criteria: Invitae Variant Classification Sherloc (09022015). Collection method: clinical testing. Allele origin: germline.
Comment: This sequence change replaces valine, which is neutral and non-polar, with isoleucine, which is neutral and non-polar, at codon 210 of the TRAF3 protein (p.Val210Ile). This variant is present in population databases (rs145947234, gnomAD 0.02%). This variant has not been reported in the literature in individuals affected with TRAF3-related conditions. ClinVar contains an entry for this variant (Variation ID: 2690261). An algorithm developed to predict the effect of missense changes on protein structure and function (PolyPhen-2) suggests that this variant is likely to be tolerated. In summary, the available evidence is currently insufficient to determine the role of this variant in disease. Therefore, it has been classified as a Variant of Uncertain Significance.

Revvity Omics, Revvity
Classification: Uncertain significance. Last evaluated: 2019-04-02. Review status: criteria provided, single submitter. Criteria: ACMG Guidelines, 2015. Collection method: clinical testing. Allele origin: germline.

NM_145725.3(TRAF3):c.628G>A (p.Val210Ile)

Genes: TRAF3 (TNF receptor associated factor 3; plus strand), LOC126862065 (BRD4-independent group 4 enhancer GRCh37_chr14:103352003-103353202; plus strand). Cytogenetic location: 14q32.32.
Variant type: single nucleotide variant.
Coding change: c.628G>A on transcript NM_145725.3 (MANE Select); coding-DNA position 628, G replaced by A.
Protein change: p.Val210Ile; replaces valine 210 with isoleucine.
Molecular consequence: missense variant. On other transcripts: intron variant (2).
Genome position (GRCh38, 1-based): chr14:102,886,246, G>A. VCF-style: chr14-102886246-G-A. GRCh37 (hg19) VCF-style: chr14-103352583-G-A.
Other names: c.628G>A, p.Val210Ile (NM_001385142.1, NM_003300.4, NM_145726.3); c.571-3314G>A (NM_001385143.1); c.570+9721G>A (NM_001199427.2); short protein forms V210I.
Identifiers: ClinVar variation 2690261 (VCV002690261.3), dbSNP rs145947234, ClinGen allele CA7359326.
Genomic context (GRCh38, chr14:102,886,246, plus strand): 5'-TAGAAACACGAAGACACCGACTGTCCCTGCGTGGTGGTGTCCTGCCCTCACAAGTGCAGC[G>A]TCCAGACTCTCCTGAGGAGCGAGGTAGGGGCGGCCGGGCCCGGCCGGGAGTCTGTGGAGT-3'
Protein context (NP_663777.1, residues 200-220): VVVSCPHKCS[Val210Ile]QTLLRSELSA